The following is an entry in ClinVar:

NM_001374828.1(ARID1B):c.2248-2A>G

Gene: ARID1B (AT-rich interaction domain 1B; plus strand). Cytogenetic location: 6q25.3.
Variant type: single nucleotide variant.
Coding change: c.2248-2A>G on transcript NM_001374828.1 (MANE Select); the canonical splice acceptor site of the intron before coding-DNA position 2248, A replaced by G.
Molecular consequence: splice acceptor variant.
Genome position (GRCh38, 1-based): chr6:157,084,660, A>G. VCF-style: chr6-157084660-A-G. GRCh37 (hg19) VCF-style: chr6-157405794-A-G.
Other names: c.2287-2A>G (NM_001371656.1, NM_001374820.1); c.2248-2A>G (NM_017519.3); c.-252-2A>G (NM_001363725.2).
Identifiers: ClinVar variation 1685543 (VCV001685543.4), dbSNP rs2128462015, ClinGen allele CA366386943.

ClinVar aggregate classification (germline): Pathogenic/Likely pathogenic. Review status: criteria provided, multiple submitters, no conflicts (2 of 4 stars). 2 submissions from 2 submitters: Pathogenic (1); Likely pathogenic (1). Last evaluated 2023-01-09.

Conditions:
Coffin-Siris syndrome 1 (CSS1). Also called: Mental retardation, autosomal dominant 12; ARID1B-Related Coffin-Siris Syndrome. Identifiers: Orphanet 1465, MedGen C3281201, MONDO:0007617, OMIM 135900. Disease mechanism: gain of function.

Submissions (2):

Labcorp Genetics (formerly Invitae), Labcorp
Classification: Likely pathogenic. Last evaluated: 2023-01-09. Review status: criteria provided, single submitter. Criteria: Invitae Variant Classification Sherloc (09022015). Collection method: clinical testing. Allele origin: germline.
Comment: This variant has not been reported in the literature in individuals affected with ARID1B-related conditions. In summary, the currently available evidence indicates that the variant is pathogenic, but additional data are needed to prove that conclusively. Therefore, this variant has been classified as Likely Pathogenic. Algorithms developed to predict the effect of sequence changes on RNA splicing suggest that this variant may disrupt the consensus splice site. ClinVar contains an entry for this variant (Variation ID: 1685543). This variant is not present in population databases (gnomAD no frequency). This sequence change affects an acceptor splice site in intron 5 of the ARID1B gene. It is expected to disrupt RNA splicing. Variants that disrupt the donor or acceptor splice site typically lead to a loss of protein function (PMID: 16199547), and loss-of-function variants in ARID1B are known to be pathogenic (PMID: 25674384, 30349098).

Mendelics
Classification: Pathogenic for Coffin-Siris syndrome 1. Last evaluated: 2022-05-04. Review status: criteria provided, single submitter. Criteria: Mendelics Assertion Criteria 2019. Collection method: clinical testing. Allele origin: germline.

Literature cited by the submitters: PubMed 16199547 (cited by Labcorp Genetics (formerly Invitae), Labcorp); PubMed 25674384 (cited by Labcorp Genetics (formerly Invitae), Labcorp); PubMed 30349098 (cited by Labcorp Genetics (formerly Invitae), Labcorp).